The following is an entry in ClinVar:

ClinVar aggregate classification (germline): Uncertain significance (1 of 4 stars; one submission).

Conditions:
Fanconi anemia complementation group J. Also called: BRIP1-Related Fanconi Anemia. Identifiers: Orphanet 84, MedGen C1836860, MONDO:0012187, OMIM 609054.
Familial cancer of breast. Also called: BREAST CANCER, FAMILIAL; hereditary breast carcinoma; Hereditary breast cancer. Identifiers: Orphanet 227535, MedGen C0346153, MONDO:0016419, OMIM 114480. Disease mechanism: loss of function.

Submission:

Labcorp Genetics (formerly Invitae), Labcorp
Classification: Uncertain significance for Familial cancer of breast; Fanconi anemia complementation group J. Last evaluated: 2021-10-05. Review status: criteria provided, single submitter. Criteria: Invitae Variant Classification Sherloc (09022015). Collection method: clinical testing. Allele origin: germline.
Comment: In summary, the available evidence is currently insufficient to determine the role of this variant in disease. Therefore, it has been classified as a Variant of Uncertain Significance. Algorithms developed to predict the effect of missense changes on protein structure and function are either unavailable or do not agree on the potential impact of this missense change (SIFT: "Tolerated"; PolyPhen-2: "Possibly Damaging"; Align-GVGD: "Class C0"). This variant has not been reported in the literature in individuals affected with BRIP1-related conditions. This variant is not present in population databases (ExAC no frequency). This sequence change replaces glutamine with lysine at codon 867 of the BRIP1 protein (p.Gln867Lys). The glutamine residue is moderately conserved and there is a small physicochemical difference between glutamine and lysine.

NM_032043.3(BRIP1):c.2599C>A (p.Gln867Lys)

Gene: BRIP1 (BRCA1 interacting DNA helicase 1; minus strand). Cytogenetic location: 17q23.2.
Variant type: single nucleotide variant.
Coding change: c.2599C>A on transcript NM_032043.3 (MANE Select); coding-DNA position 2599, C replaced by A.
Protein change: p.Gln867Lys; replaces glutamine 867 with lysine.
Molecular consequence: missense variant.
Genome position (GRCh38, 1-based): chr17:61,686,142, G>T on the plus strand (C>A on the coding strand, the complement: BRIP1 is on the minus strand). VCF-style: chr17-61686142-G-T. GRCh37 (hg19) VCF-style: chr17-59763503-G-T.
Other names: short protein forms Q867K.
Identifiers: ClinVar variation 1023262 (VCV001023262.7), dbSNP rs182028200, ClinGen allele CA292268214.